The following is an entry in ClinVar:

ClinVar aggregate classification (germline): Uncertain significance (1 of 4 stars; one submission).

gnomAD v4.1: 17 of 1,611,264 alleles (0.0011%); highest among the groups gnomAD compares: Non-Finnish European, 0.0014%; no homozygotes.

Submission:

Labcorp Genetics (formerly Invitae), Labcorp
Classification: Uncertain significance. Last evaluated: 2025-12-15. Review status: criteria provided, single submitter. Criteria: Invitae Variant Classification Sherloc (09022015). Collection method: clinical testing. Allele origin: germline.
Comment: This sequence change replaces glutamic acid, which is acidic and polar, with valine, which is neutral and non-polar, at codon 828 of the DDX58 protein (p.Glu828Val). This variant is not present in population databases (gnomAD no frequency). This variant has not been reported in the literature in individuals affected with DDX58-related conditions. An algorithm developed to predict the effect of missense changes on protein structure and function (PolyPhen-2) suggests that this variant is likely to be tolerated. In summary, the available evidence is currently insufficient to determine the role of this variant in disease. Therefore, it has been classified as a Variant of Uncertain Significance.

NM_014314.4(RIGI):c.2483A>T (p.Glu828Val)

Gene: RIGI (RNA sensor RIG-I; minus strand). Cytogenetic location: 9p21.1.
Variant type: single nucleotide variant.
Coding change: c.2483A>T on transcript NM_014314.4 (MANE Select); coding-DNA position 2483, A replaced by T.
Protein change: p.Glu828Val; replaces glutamic acid 828 with valine.
Molecular consequence: missense variant.
Genome position (GRCh38, 1-based): chr9:32,457,417, T>A on the plus strand (A>T on the coding strand, the complement: RIGI is on the minus strand). VCF-style: chr9-32457417-T-A. GRCh37 (hg19) VCF-style: chr9-32457415-T-A.
Other names: c.2477A>T, p.Glu826Val (NM_001385907.1); c.2312A>T, p.Glu771Val (NM_001385909.1); c.2042A>T, p.Glu681Val (NM_001385910.1); c.1874A>T, p.Glu625Val (NM_001385912.1); c.2468A>T, p.Glu823Val (NM_001385913.1); c.2039A>T, p.Glu680Val (NM_001385914.1); short protein forms E681V, E828V, E680V, E823V, E625V, E771V, E826V.
Identifiers: ClinVar variation 4703160 (VCV004703160.1).